The following is an entry in ClinVar:

ClinVar aggregate classification (germline): Uncertain significance (1 of 4 stars; one submission).

Conditions:
Bethlem myopathy 1A. Also called: Bethlem Muscular Dystrophy; Bethlem myopathy 1; MYOPATHY, BENIGN CONGENITAL, WITH CONTRACTURES. Identifiers: Orphanet 610, MedGen CN029274, MONDO:0024530, OMIM 158810.

Submission:

Labcorp Genetics (formerly Invitae), Labcorp
Classification: Uncertain significance for Bethlem myopathy 1A. Last evaluated: 2023-06-29. Review status: criteria provided, single submitter. Criteria: Invitae Variant Classification Sherloc (09022015). Collection method: clinical testing. Allele origin: germline.
Comment: This variant has not been reported in the literature in individuals affected with COL6A3-related conditions. ClinVar contains an entry for this variant (Variation ID: 652877). Advanced modeling of protein sequence and biophysical properties (such as structural, functional, and spatial information, amino acid conservation, physicochemical variation, residue mobility, and thermodynamic stability) performed at Invitae indicates that this missense variant is not expected to disrupt COL6A3 protein function. In summary, the available evidence is currently insufficient to determine the role of this variant in disease. Therefore, it has been classified as a Variant of Uncertain Significance. This sequence change replaces proline, which is neutral and non-polar, with serine, which is neutral and polar, at codon 806 of the COL6A3 protein (p.Pro806Ser). This variant is not present in population databases (gnomAD no frequency).

NM_004369.4(COL6A3):c.2416C>T (p.Pro806Ser)

Gene: COL6A3 (collagen type VI alpha 3 chain; minus strand). Cytogenetic location: 2q37.3.
Variant type: single nucleotide variant.
Coding change: c.2416C>T on transcript NM_004369.4 (MANE Select); coding-DNA position 2416, C replaced by T.
Protein change: p.Pro806Ser; replaces proline 806 with serine.
Molecular consequence: missense variant. On other transcripts: intron variant (1).
Genome position (GRCh38, 1-based): chr2:237,378,717, G>A on the plus strand (C>T on the coding strand, the complement: COL6A3 is on the minus strand). VCF-style: chr2-237378717-G-A. GRCh37 (hg19) VCF-style: chr2-238287360-G-A.
Other names: c.677-1373C>T (NM_057166.5); c.1195C>T, p.Pro399Ser (NM_057164.5); c.1798C>T, p.Pro600Ser (NM_057165.5, NM_057167.4); short protein forms P806S, P399S, P600S.
Identifiers: ClinVar variation 652877 (VCV000652877.9), dbSNP rs1574719546, ClinGen allele CA351212597.
Genomic context (GRCh38, chr2:237,378,717, plus strand): 5'-CCTCCACACCTCCACTAACATATGTGGTTAGGGGCTGAATCAGCTGCTGAGGCAAAGCTG[G>A]CAGGGAGCTGAAATCATCCATGAGATACACCAGGCTTGGGTTAAAAGCAATCTGCTCAAG-3'
Protein context (NP_004360.2, residues 796-816): VYLMDDFSSL[Pro806Ser]ALPQQLIQPL